The following is an entry in ClinVar:

NM_004560.4(ROR2):c.355C>G (p.Arg119Gly)

Gene: ROR2 (receptor tyrosine kinase like orphan receptor 2; minus strand). Cytogenetic location: 9q22.31.
Variant type: single nucleotide variant.
Coding change: c.355C>G on transcript NM_004560.4 (MANE Select); coding-DNA position 355, C replaced by G.
Protein change: p.Arg119Gly; replaces arginine 119 with glycine.
Molecular consequence: missense variant.
Genome position (GRCh38, 1-based): chr9:91,757,380, G>C on the plus strand (C>G on the coding strand, the complement: ROR2 is on the minus strand). VCF-style: chr9-91757380-G-C. GRCh37 (hg19) VCF-style: chr9-94519662-G-C.
Other names: c.355C>G, p.Arg119Gly (NM_001318204.2); short protein forms R119G.
Identifiers: ClinVar variation 4809191 (VCV004809191.1).

ClinVar aggregate classification (germline): Uncertain significance (1 of 4 stars; one submission).

gnomAD v4.1: 1 of 1,613,902 alleles (0.000062%); no homozygotes.

Submission:

Labcorp Genetics (formerly Invitae), Labcorp
Classification: Uncertain significance. Last evaluated: 2025-12-21. Review status: criteria provided, single submitter. Criteria: Invitae Variant Classification Sherloc (09022015). Collection method: clinical testing. Allele origin: germline.
Comment: This sequence change replaces arginine, which is basic and polar, with glycine, which is neutral and non-polar, at codon 119 of the ROR2 protein (p.Arg119Gly). This variant is not present in population databases (gnomAD no frequency). This variant has not been reported in the literature in individuals affected with ROR2-related conditions. An algorithm developed to predict the effect of missense changes on protein structure and function (PolyPhen-2) suggests that this variant is likely to be disruptive. In summary, the available evidence is currently insufficient to determine the role of this variant in disease. Therefore, it has been classified as a Variant of Uncertain Significance.